The following is an entry in ClinVar:

NM_181882.3(PRX):c.85G>A (p.Val29Ile)

Genes: PRX (periaxin; minus strand), LOC130064454 (ATAC-STARR-seq lymphoblastoid active region 14650; plus strand). Cytogenetic location: 19q13.2.
Variant type: single nucleotide variant.
Coding change: c.85G>A on transcript NM_181882.3 (MANE Select); coding-DNA position 85, G replaced by A.
Protein change: p.Val29Ile; replaces valine 29 with isoleucine.
Molecular consequence: missense variant.
Genome position (GRCh38, 1-based): chr19:40,403,805, C>T on the plus strand (G>A on the coding strand, the complement: PRX is on the minus strand). VCF-style: chr19-40403805-C-T. GRCh37 (hg19) VCF-style: chr19-40909712-C-T.
Other names: c.85G>A, p.Val29Ile (NM_020956.2); short protein forms V29I.
Identifiers: ClinVar variation 246066 (VCV000246066.3), dbSNP rs879254074, ClinGen allele CA10584614.

ClinVar aggregate classification (germline): Uncertain significance. Review status: criteria provided, multiple submitters, no conflicts (2 of 4 stars). 2 submissions from 2 submitters: Uncertain significance (2). Last evaluated 2023-12-18.

Conditions:
Inborn genetic diseases. Identifiers: MedGen C0950123, MeSH D030342.

Allele frequency attached by ClinVar (database versions not stated): gnomAD exomes 0.00001 and 0.00002; TOPMed 0.00001.
gnomAD v4.1: 13 of 1,608,878 alleles (0.00081%); highest among the groups gnomAD compares: East Asian, 0.016%; no homozygotes.

Submissions (2):

Ambry Genetics
Classification: Uncertain significance for Inborn genetic diseases. Last evaluated: 2023-12-18. Review status: criteria provided, single submitter. Criteria: Ambry Variant Classification Scheme 2023. Collection method: clinical testing. Allele origin: germline.

GeneDx
Classification: Uncertain significance. Last evaluated: 2015-12-22. Review status: criteria provided, single submitter. Criteria: GeneDx Variant Classification (06012015). Collection method: clinical testing. Allele origin: germline. Affected: yes.
Comment: The V29I variant has not been published as a pathogenic variant, nor has it been reported as a benign variant to our knowledge. It was not observed in approximately 6,500 individuals of European and African American ancestry in the NHLBI Exome Sequencing Project, indicating it is not a common benign variant in these populations. The V29I variant is a conservative amino acid substitution, which is not likely to impact secondary protein structure as these residues share similar properties. This substitution occurs at a position where amino acids with similar properties to Valine are tolerated across species. In silico analysis is inconsistent in its predictions as to whether or not the variant is damaging to the protein structure/function. Based on the currently available information, it is unclear whether this variant is a pathogenic variant or a rare benign variant.